The following is an entry in ClinVar:

ClinVar aggregate classification (germline): Uncertain significance (1 of 4 stars; one submission).

Submission:

Labcorp Genetics (formerly Invitae), Labcorp
Classification: Uncertain significance. Last evaluated: 2024-02-25. Review status: criteria provided, single submitter. Criteria: Invitae Variant Classification Sherloc (09022015). Collection method: clinical testing. Allele origin: germline.
Comment: This sequence change falls in intron 29 of the KMT2A gene. It does not directly change the encoded amino acid sequence of the KMT2A protein. This variant is not present in population databases (gnomAD no frequency). This variant has not been reported in the literature in individuals affected with KMT2A-related conditions. Algorithms developed to predict the effect of sequence changes on RNA splicing suggest that this variant may create or strengthen a splice site. In summary, the available evidence is currently insufficient to determine the role of this variant in disease. Therefore, it has been classified as a Variant of Uncertain Significance.

NM_001197104.2(KMT2A):c.10900+12G>A

Gene: KMT2A (lysine methyltransferase 2A; plus strand). Cytogenetic location: 11q23.3.
Variant type: single nucleotide variant.
Coding change: c.10900+12G>A on transcript NM_001197104.2 (MANE Select); 12 bases into the intron after coding-DNA position 10900, G replaced by A.
Molecular consequence: intron variant.
Genome position (GRCh38, 1-based): chr11:118,509,212, G>A. VCF-style: chr11-118509212-G-A. GRCh37 (hg19) VCF-style: chr11-118379927-G-A.
Other names: c.10990+12G>A (NM_001412597.1); c.10891+12G>A (NM_005933.4).
Identifiers: ClinVar variation 2807988 (VCV002807988.3), dbSNP rs2134427628, ClinGen allele CA2574995983.
Genomic context (GRCh38, chr11:118,509,212, plus strand): 5'-CCGGAAGTTCAGGTGACCCAAAATCCAGCAAATGAACAAGAAAGTGCAGGTATGTGGGTG[G>A]GTAAAAGGTTAGAATCAGAGAATATCAATGCTAAAAGGATTATGAGAATCACCCACTTTA-3'